The following is an entry in ClinVar:

NM_001164508.2(NEB):c.20692G>A (p.Val6898Ile)

Gene: NEB (nebulin; minus strand). Cytogenetic location: 2q23.3.
Variant type: single nucleotide variant.
Coding change: c.20692G>A on transcript NM_001164508.2 (MANE Select); coding-DNA position 20692, G replaced by A.
Protein change: p.Val6898Ile; replaces valine 6898 with isoleucine.
Molecular consequence: missense variant.
Genome position (GRCh38, 1-based): chr2:151,540,792, C>T on the plus strand (G>A on the coding strand, the complement: NEB is on the minus strand). VCF-style: chr2-151540792-C-T. GRCh37 (hg19) VCF-style: chr2-152397306-C-T.
Other names: c.20692G>A, p.Val6898Ile (NM_001164507.2, NM_001271208.2); c.15589G>A, p.Val5197Ile (NM_004543.5); short protein forms V5197I, V6898I.
Identifiers: ClinVar variation 2116880 (VCV002116880.4), dbSNP rs2552157171, ClinGen allele CA348777839.

ClinVar aggregate classification (germline): Uncertain significance (1 of 4 stars; one submission).

Conditions:
Nemaline myopathy 2 (NEM2). Also called: Nemaline myopathy 2, autosomal recessive. Identifiers: MedGen C1850569, MONDO:0009725, OMIM 256030.

Submission:

Labcorp Genetics (formerly Invitae), Labcorp
Classification: Uncertain significance for Nemaline myopathy 2. Last evaluated: 2022-09-12. Review status: criteria provided, single submitter. Criteria: Invitae Variant Classification Sherloc (09022015). Collection method: clinical testing. Allele origin: germline.
Comment: Algorithms developed to predict the effect of missense changes on protein structure and function output the following: SIFT: "Deleterious"; PolyPhen-2: "Not Available"; Align-GVGD: "Class C0". The isoleucine amino acid residue is found in multiple mammalian species, which suggests that this missense change does not adversely affect protein function. This sequence change replaces valine, which is neutral and non-polar, with isoleucine, which is neutral and non-polar, at codon 6898 of the NEB protein (p.Val6898Ile). This variant is not present in population databases (gnomAD no frequency). This variant has not been reported in the literature in individuals affected with NEB-related conditions. In summary, the available evidence is currently insufficient to determine the role of this variant in disease. Therefore, it has been classified as a Variant of Uncertain Significance.